The following is an entry in ClinVar:

ClinVar aggregate classification (germline): Uncertain significance. Review status: criteria provided, multiple submitters, no conflicts (2 of 4 stars). 2 submissions from 2 submitters: Uncertain significance (2). Last evaluated 2023-01-11.

Conditions:
Curry-Hall syndrome (WAD). Also called: WEYERS ACRODENTAL DYSOSTOSIS. Identifiers: Orphanet 952, MedGen C0457013, MONDO:0008673, OMIM 193530.
Ellis-van Creveld syndrome (EVC). Also called: MESOECTODERMAL DYSPLASIA; Chondroectodermal dysplasia. Identifiers: Orphanet 289, MedGen C0013903, MONDO:0009162, OMIM 225500.
EVC-related disorder. Also called: EVC-related condition; EVC-related disorders.

Allele frequency attached by ClinVar (database versions not stated): gnomAD exomes 0.00001.
gnomAD v4.1: 4 of 1,612,580 alleles (0.00025%); highest among the groups gnomAD compares: Non-Finnish European, 0.00025%; no homozygotes.

Submissions (2):

PreventionGenetics, part of Exact Sciences
Classification: Uncertain significance for EVC-related condition. Last evaluated: 2023-01-11. Review status: criteria provided, single submitter. Criteria: ACMG Guidelines, 2015. Collection method: clinical testing. Allele origin: germline.
Comment: The EVC c.1481T>C variant is predicted to result in the amino acid substitution p.Leu494Pro. To our knowledge, this variant has not been reported in the literature or in a large population database, indicating this variant is rare. At this time, the clinical significance of this variant is uncertain due to the absence of conclusive functional and genetic evidence.

Labcorp Genetics (formerly Invitae), Labcorp
Classification: Uncertain significance for Curry-Hall syndrome; Ellis-van Creveld syndrome. Last evaluated: 2022-06-20. Review status: criteria provided, single submitter. Criteria: Invitae Variant Classification Sherloc (09022015). Collection method: clinical testing. Allele origin: germline.
Comment: In summary, the available evidence is currently insufficient to determine the role of this variant in disease. Therefore, it has been classified as a Variant of Uncertain Significance. Algorithms developed to predict the effect of missense changes on protein structure and function are either unavailable or do not agree on the potential impact of this missense change (SIFT: "Deleterious"; PolyPhen-2: "Probably Damaging"; Align-GVGD: "Class C0"). This variant has not been reported in the literature in individuals affected with EVC-related conditions. This variant is not present in population databases (gnomAD no frequency). This sequence change replaces leucine, which is neutral and non-polar, with proline, which is neutral and non-polar, at codon 494 of the EVC protein (p.Leu494Pro).

NM_153717.3(EVC):c.1481T>C (p.Leu494Pro)

Gene: EVC (EvC ciliary complex subunit 1; plus strand). Cytogenetic location: 4p16.2.
Variant type: single nucleotide variant.
Coding change: c.1481T>C on transcript NM_153717.3 (MANE Select); coding-DNA position 1481, T replaced by C.
Protein change: p.Leu494Pro; replaces leucine 494 with proline.
Molecular consequence: missense variant.
Genome position (GRCh38, 1-based): chr4:5,756,280, T>C. VCF-style: chr4-5756280-T-C. GRCh37 (hg19) VCF-style: chr4-5758007-T-C.
Other names: c.1481T>C, p.Leu494Pro (NM_001306090.2, NM_001306092.2); c.1481T>C (NM_153717.2); short protein forms L494P.
Identifiers: ClinVar variation 2060053 (VCV002060053.4), dbSNP rs2475512478, ClinGen allele CA356157398.